The following is an entry in ClinVar:

ClinVar aggregate classification (germline): Uncertain significance (1 of 4 stars; one submission).

Conditions:
Familial adenomatous polyposis 1 (FAP1). Also called: POLYPOSIS, ADENOMATOUS INTESTINAL; FAMILIAL ADENOMATOUS POLYPOSIS 1, ATTENUATED. Identifiers: MedGen C2713442, MONDO:0021056, OMIM 175100. Disease mechanism: loss of function.

Submission:

Labcorp Genetics (formerly Invitae), Labcorp
Classification: Uncertain significance for Familial adenomatous polyposis 1. Last evaluated: 2023-02-23. Review status: criteria provided, single submitter. Criteria: Invitae Variant Classification Sherloc (09022015). Collection method: clinical testing. Allele origin: germline.
Comment: In summary, the available evidence is currently insufficient to determine the role of this variant in disease. Therefore, it has been classified as a Variant of Uncertain Significance. Algorithms developed to predict the effect of sequence changes on RNA splicing suggest that this variant may disrupt the consensus splice site. Advanced modeling of protein sequence and biophysical properties (such as structural, functional, and spatial information, amino acid conservation, physicochemical variation, residue mobility, and thermodynamic stability) performed at Invitae indicates that this missense variant is not expected to disrupt APC protein function. This variant has not been reported in the literature in individuals affected with APC-related conditions. This variant is not present in population databases (gnomAD no frequency). This sequence change replaces proline, which is neutral and non-polar, with threonine, which is neutral and polar, at codon 173 of the APC protein (p.Pro173Thr).

NM_000038.6(APC):c.517C>A (p.Pro173Thr)

Gene: APC (APC regulator of Wnt signaling pathway; plus strand). Cytogenetic location: 5q22.2.
Variant type: single nucleotide variant.
Coding change: c.517C>A on transcript NM_000038.6 (MANE Select); coding-DNA position 517, C replaced by A.
Protein change: p.Pro173Thr; replaces proline 173 with threonine.
Molecular consequence: missense variant. On other transcripts: 5 prime UTR variant (4), non-coding transcript variant (2).
Genome position (GRCh38, 1-based): chr5:112,775,723, C>A. VCF-style: chr5-112775723-C-A. GRCh37 (hg19) VCF-style: chr5-112111420-C-A.
Other names: c.517C>A, p.Pro173Thr (NM_001127510.3, NM_001354895.2, NM_001354896.2 and 16 more transcripts); c.547C>A, p.Pro183Thr (NM_001127511.3, NM_001354897.2, NM_001354902.2 and 1 more transcripts); c.442C>A, p.Pro148Thr (NM_001354898.2, NM_001354904.2, NM_001407451.1); c.340C>A, p.Pro114Thr (NM_001354900.2, NM_001354901.2, NM_001354905.2 and 1 more transcripts); c.-519C>A (NM_001354906.2, NM_001407470.1, NM_001407471.1 and 1 more transcripts); short protein forms P183T, P148T, P173T, P114T.
Identifiers: ClinVar variation 2840169 (VCV002840169.3), dbSNP rs1370818467, ClinGen allele CA16022456.
Genomic context (GRCh38, chr5:112,775,723, plus strand): 5'-AAGGAAAAAGACTGGTATTACGCTCAACTTCAGAATCTCACTAAAAGAATAGATAGTCTT[C>A]CTTTAACTGAAAATGTAAGTAACTTGGCAGTACAACTTATTTGAAACTTTAATAACTTGA-3'
Protein context (NP_000029.2, residues 163-183): QNLTKRIDSL[Pro173Thr]LTENFSLQTD